The following is an entry in ClinVar:

ClinVar aggregate classification (germline): Conflicting classifications of pathogenicity. Review status: criteria provided, conflicting classifications (1 of 4 stars). 2 submissions from 2 submitters: Uncertain significance (1); Likely benign (1). Last evaluated 2023-03-23.

Conditions:
Hereditary cancer-predisposing syndrome. Also called: Neoplastic Syndromes, Hereditary; Tumor predisposition; Hereditary Cancer Syndrome; Hereditary neoplastic syndrome. Identifiers: Orphanet 140162, MedGen C0027672, MeSH D009386, MONDO:0015356.

Submissions (2):

University of Washington Department of Laboratory Medicine, University of Washington
Classification: Likely benign for Hereditary cancer-predisposing syndrome. Last evaluated: 2023-03-23. Review status: criteria provided, single submitter. Criteria: Dines et al. (Genet Med. 2020). Collection method: curation. Allele origin: germline.
Comment: Missense variant in a coldspot region where missense variants are very unlikely to be pathogenic (PMID:31911673).

BRCA1 coldspot (exon 11 using historical exon numbering). Reclassification based on statistical prior probability

Ambry Genetics
Classification: Uncertain significance for Hereditary cancer-predisposing syndrome. Last evaluated: 2017-08-28. Review status: criteria provided, single submitter. Criteria: Ambry Variant Classification Scheme 2023. Collection method: clinical testing. Allele origin: germline.
Comment: The p.F1296C variant (also known as c.3887T>G), located in coding exon 9 of the BRCA1 gene, results from a T to G substitution at nucleotide position 3887. The phenylalanine at codon 1296 is replaced by cysteine, an amino acid with highly dissimilar properties. This amino acid position is highly conserved in available vertebrate species. In addition, this alteration is predicted to be deleterious by in silico analysis.Since supporting evidence is limited at this time, the clinical significance of this alteration remains unclear.

NM_007294.4(BRCA1):c.3887T>G (p.Phe1296Cys)

Genes: BRCA1 (BRCA1 DNA repair associated; minus strand), LOC126862571 (BRD4-independent group 4 enhancer GRCh37_chr17:41243136-41244335; plus strand). Cytogenetic location: 17q21.31.
Variant type: single nucleotide variant.
Coding change: c.3887T>G on transcript NM_007294.4 (MANE Select); coding-DNA position 3887, T replaced by G.
Protein change: p.Phe1296Cys; replaces phenylalanine 1296 with cysteine.
Molecular consequence: missense variant. On other transcripts: intron variant (135).
Genome position (GRCh38, 1-based): chr17:43,091,644, A>C on the plus strand (T>G on the coding strand, the complement: BRCA1 is on the minus strand). VCF-style: chr17-43091644-A-C. GRCh37 (hg19) VCF-style: chr17-41243661-A-C.
Other names: c.3674T>G, p.Phe1225Cys (NM_001407571.1, NM_001407853.1, NM_001407894.1 and 9 more transcripts); c.3887T>G, p.Phe1296Cys (NM_001407581.1, NM_001407582.1, NM_001407583.1 and 30 more transcripts); c.3884T>G, p.Phe1295Cys (NM_001407587.1, NM_001407590.1, NM_001407591.1 and 22 more transcripts); c.3878T>G, p.Phe1293Cys (NM_001407646.1, NM_001407647.1); c.3764T>G, p.Phe1255Cys (NM_001407648.1, NM_001407664.1, NM_001407665.1 and 19 more transcripts); c.3761T>G, p.Phe1254Cys (NM_001407649.1, NM_001407670.1, NM_001407671.1 and 11 more transcripts); c.3809T>G, p.Phe1270Cys (NM_001407653.1, NM_001407654.1, NM_001407655.1 and 4 more transcripts); c.3806T>G, p.Phe1269Cys (NM_001407659.1, NM_001407660.1, NM_001407661.1 and 1 more transcripts); and 41 more; short protein forms F1296C, F1249C, F1207C, F1254C, F1255C, F1293C, F1128C, F1169C.
Identifiers: ClinVar variation 482964 (VCV000482964.8), dbSNP rs1555586855, ClinGen allele CA10594187.